The following is an entry in ClinVar:

NM_001615.4(ACTG2):c.565T>C (p.Tyr189His)

Gene: ACTG2 (actin gamma 2, smooth muscle; plus strand). Cytogenetic location: 2p13.1.
Variant type: single nucleotide variant.
Coding change: c.565T>C on transcript NM_001615.4 (MANE Select); coding-DNA position 565, T replaced by C.
Protein change: p.Tyr189His; replaces tyrosine 189 with histidine.
Molecular consequence: missense variant.
Genome position (GRCh38, 1-based): chr2:73,913,598, T>C. VCF-style: chr2-73913598-T-C. GRCh37 (hg19) VCF-style: chr2-74140725-T-C.
Other names: c.436T>C, p.Tyr146His (NM_001199893.2); short protein forms Y189H, Y146H.
Identifiers: ClinVar variation 379898 (VCV000379898.2), dbSNP rs1057520776, ClinGen allele CA16604397.
Genomic context (GRCh38, chr2:73,913,598, plus strand): 5'-GGCTATGCCCTGCCCCATGCCATCATGCGCCTGGACTTGGCTGGCCGTGACCTCACGGAC[T>C]ACCTCATGAAGATCCTCACAGAGAGAGGCTATTCCTTTGTGACCACAGGTATCCAGCCCC-3'
Protein context (NP_001606.1, residues 179-199): LDLAGRDLTD[Tyr189His]LMKILTERGY

ClinVar aggregate classification (germline): Uncertain significance (1 of 4 stars; one submission).

Submission:

GeneDx
Classification: Uncertain significance. Last evaluated: 2016-11-10. Review status: criteria provided, single submitter. Criteria: GeneDx Variant Classification (06012015). Collection method: clinical testing. Allele origin: germline. Affected: yes.
Comment: The Y189H variant in the ACTG2 gene has not been reported previously as a pathogenic variant, nor as a benign variant, to our knowledge. The Y189H variant was not observed in approximately 6500 individuals of European and African American ancestry in the NHLBI Exome Sequencing Project, indicating it is not a common benign variant in these populations. The Y189H variant is a non-conservative amino acid substitution, which is likely to impact secondary protein structure as these residues differ in polarity, charge, size and/or other properties. This substitution occurs at a position that is conserved across species, and in silico analysis predicts this variant is probably damaging to the protein structure/function. Based on review of the data in the context of the 2015 ACMG standards and guidelines for the interpretation of sequence variants (Richards et al., 2015), we now interpret Y189H as a variant of uncertain significance.